The following is an entry in ClinVar:

NM_000530.8(MPZ):c.218G>A (p.Gly73Asp)

Gene: MPZ (myelin protein zero; minus strand). Cytogenetic location: 1q23.3.
Variant type: single nucleotide variant.
Coding change: c.218G>A on transcript NM_000530.8 (MANE Select); coding-DNA position 218, G replaced by A.
Protein change: p.Gly73Asp; replaces glycine 73 with aspartic acid.
Molecular consequence: missense variant.
Genome position (GRCh38, 1-based): chr1:161,307,274, C>T on the plus strand (G>A on the coding strand, the complement: MPZ is on the minus strand). VCF-style: chr1-161307274-C-T. GRCh37 (hg19) VCF-style: chr1-161277064-C-T.
Other names: c.218G>A, p.Gly73Asp (NM_001315491.2); short protein forms G73D.
Identifiers: ClinVar variation 3703538 (VCV003703538.2).
Genomic context (GRCh38, chr1:161,307,274, plus strand): 5'-AGCACTTTCTGTTATCCAACCCCAGGATTCCCCCAGGCACTCACCGAAATGGCATCTCTG[C>T]CCCCTTCGGGCTGGTAGCGCCAGGTGAAGGAGATGTCATCTGAGACCCACTCACTGGACC-3'
Protein context (NP_000521.2, residues 63-83): SFTWRYQPEG[Gly73Asp]RDAISIFHYA

ClinVar aggregate classification (germline): Uncertain significance (1 of 4 stars; one submission).

Conditions:
Charcot-Marie-Tooth disease, type I (CMT1). Also called: Charcot-Marie-Tooth, Type 1; Charcot-Marie-Tooth disease type 1. Identifiers: Orphanet 65753, MedGen C0751036, MONDO:0019011.

Submission:

Labcorp Genetics (formerly Invitae), Labcorp
Classification: Uncertain significance for Charcot-Marie-Tooth disease, type I. Last evaluated: 2024-07-19. Review status: criteria provided, single submitter. Criteria: Invitae Variant Classification Sherloc (09022015). Collection method: clinical testing. Allele origin: germline.
Comment: This sequence change replaces glycine, which is neutral and non-polar, with aspartic acid, which is acidic and polar, at codon 73 of the MPZ protein (p.Gly73Asp). This variant is present in population databases (rs770236227, gnomAD 0.003%). This variant has not been reported in the literature in individuals affected with MPZ-related conditions. Advanced modeling of protein sequence and biophysical properties (such as structural, functional, and spatial information, amino acid conservation, physicochemical variation, residue mobility, and thermodynamic stability) performed at Invitae indicates that this missense variant is not expected to disrupt MPZ protein function with a negative predictive value of 80%. In summary, the available evidence is currently insufficient to determine the role of this variant in disease. Therefore, it has been classified as a Variant of Uncertain Significance.